The following is an entry in ClinVar:

ClinVar aggregate classification (germline): Uncertain significance (1 of 4 stars; one submission).

Conditions:
Colorectal cancer, susceptibility to, 1. Also called: COLORECTAL ADENOMA AND CANCER, SUSCEPTIBILITY TO; COLORECTAL CANCER, SUSCEPTIBILITY TO, ON CHROMOSOME 9. Identifiers: MedGen C1837315, MONDO:0012132, OMIM 608812.

Submission:

Neuberg Centre For Genomic Medicine, NCGM
Classification: Uncertain significance for Colorectal cancer, susceptibility to, 1. Last evaluated: 2023-05-20. Review status: criteria provided, single submitter. Criteria: ACMG Guidelines, 2015. Collection method: clinical testing. Allele origin: germline. Inheritance: Autosomal dominant inheritance. Affected: yes.
Comment: The observed missense variant c.4250T>C(p.Val1417Ala) in BRCA1 gene has not been reported previously as a pathogenic variant nor as a benign variant, to our knowledge. The c.4250T>C variant is absent in gnomAD Exomes. The amino acid Valine at position 1417 is changed to a Alanine changing protein sequence and it might alter its composition and physico-chemical properties. Multiple lines of computational evidence (Polyphen, SIFT and Mutation Taster) predict a damaging effect on protein structure and function for this variant.The reference amino acid in BRCA1 is predicted as conserved by GERP++ and PhyloP across 100 vertebrates. For these reasons, this variant has been classified as Uncertain Significance.

NM_007294.4(BRCA1):c.4250T>C (p.Val1417Ala)

Gene: BRCA1 (BRCA1 DNA repair associated; minus strand). Cytogenetic location: 17q21.31.
Variant type: single nucleotide variant.
Coding change: c.4250T>C on transcript NM_007294.4 (MANE Select); coding-DNA position 4250, T replaced by C.
Protein change: p.Val1417Ala; replaces valine 1417 with alanine.
Molecular consequence: missense variant.
Genome position (GRCh38, 1-based): chr17:43,082,511, A>G on the plus strand (T>C on the coding strand, the complement: BRCA1 is on the minus strand). VCF-style: chr17-43082511-A-G. GRCh37 (hg19) VCF-style: chr17-41234528-A-G.
Other names: c.4037T>C, p.Val1346Ala (NM_001407571.1, NM_001407853.1, NM_001407894.1 and 12 more transcripts); c.4250T>C, p.Val1417Ala (NM_001407581.1, NM_001407582.1, NM_001407583.1 and 23 more transcripts); c.4247T>C, p.Val1416Ala (NM_001407587.1, NM_001407590.1, NM_001407591.1 and 21 more transcripts); c.4244T>C, p.Val1415Ala (NM_001407627.1, NM_001407628.1, NM_001407629.1 and 5 more transcripts); c.4238T>C, p.Val1413Ala (NM_001407646.1, NM_001407647.1); c.4127T>C, p.Val1376Ala (NM_001407648.1, NM_001407664.1, NM_001407665.1 and 13 more transcripts); c.4124T>C, p.Val1375Ala (NM_001407649.1, NM_001407670.1, NM_001407671.1 and 12 more transcripts); c.4172T>C, p.Val1391Ala (NM_001407653.1, NM_001407654.1, NM_001407655.1 and 2 more transcripts); and 51 more; short protein forms V1121A, V1248A, V1289A, V1290A, V1304A, V1305A, V1306A, V1327A.
Identifiers: ClinVar variation 3367142 (VCV003367142.1).